The following is an entry in ClinVar:

NM_177438.3(DICER1):c.1752+301T>G

Gene: DICER1 (dicer 1, ribonuclease III; minus strand). Cytogenetic location: 14q32.13.
Variant type: single nucleotide variant.
Coding change: c.1752+301T>G on transcript NM_177438.3 (MANE Select); 301 bases into the intron after coding-DNA position 1752, T replaced by G.
Molecular consequence: intron variant.
Genome position (GRCh38, 1-based): chr14:95,116,152, A>C on the plus strand (T>G on the coding strand, the complement: DICER1 is on the minus strand). VCF-style: chr14-95116152-A-C. GRCh37 (hg19) VCF-style: chr14-95582489-A-C.
Other names: c.1752+301T>G (NM_001291628.2, NM_030621.4, NM_001395677.1 and 12 more transcripts); c.1347+301T>G (NM_001395690.1, NM_001395687.1, NM_001395689.1 and 3 more transcripts); c.1470+301T>G (NM_001395686.1); c.1185+301T>G (NM_001395691.1); c.69+301T>G (NM_001395697.1).
Identifiers: ClinVar variation 3840007 (VCV003840007.1).
Genomic context (GRCh38, chr14:95,116,152, plus strand): 5'-ACTGTTAGTCTTTCTGAATGTAACTACCATGTCATCATTTTCCAATCACTCAATAACTTA[A>C]GCAGTCAACAGTTACTGTCCATATTTGCAATGCAATTTCCCAGACGTTCATCCCAAATAA-3'

ClinVar aggregate classification (germline): Likely pathogenic (1 of 4 stars; one submission).

Conditions:
Hereditary cancer-predisposing syndrome. Also called: Hereditary neoplastic syndrome; Neoplastic Syndromes, Hereditary; Tumor predisposition; Hereditary Cancer Syndrome. Identifiers: Orphanet 140162, MedGen C0027672, MeSH D009386, MONDO:0015356.

Submission:

Ambry Genetics
Classification: Likely pathogenic for Hereditary cancer-predisposing syndrome. Last evaluated: 2025-01-21. Review status: criteria provided, single submitter. Criteria: Ambry Variant Classification Scheme 2023. Collection method: clinical testing. Allele origin: germline.
Comment: The c.1752+301T>G intronic variant results from a T to G substitution 301 nucleotides after coding exon 9 in the DICER1 gene. This nucleotide position is well conserved in available vertebrate species. In silico splice site analysis predicts that this alteration will result in the creation or strengthening of a novel splice donor site. RNA studies have demonstrated that this alteration results in abnormal splicing in the set of samples tested (Ambry internal data). Based on the majority of available evidence to date, this variant is likely to be pathogenic.